The following is an entry in ClinVar:

NM_001267550.2(TTN):c.16160G>A (p.Arg5387Lys)

Gene: TTN (titin; minus strand). Cytogenetic location: 2q31.2.
Variant type: single nucleotide variant.
Coding change: c.16160G>A on transcript NM_001267550.2 (MANE Select); coding-DNA position 16160, G replaced by A.
Protein change: p.Arg5387Lys; replaces arginine 5387 with lysine.
Molecular consequence: missense variant. On other transcripts: intron variant (3).
Genome position (GRCh38, 1-based): chr2:178,733,016, C>T on the plus strand (G>A on the coding strand, the complement: TTN is on the minus strand). VCF-style: chr2-178733016-C-T. GRCh37 (hg19) VCF-style: chr2-179597743-C-T.
Other names: c.15209G>A, p.Arg5070Lys (NM_001256850.1); c.12428G>A, p.Arg4143Lys (NM_133378.4); c.13282+5066G>A (NM_003319.4); c.13858+5066G>A (NM_133437.4); c.13657+5066G>A (NM_133432.3); short protein forms R4143K, R5070K, R5387K.
Identifiers: ClinVar variation 1678654 (VCV001678654.3), dbSNP rs748155563, ClinGen allele CA349587236.

ClinVar aggregate classification (germline): Likely pathogenic (0 of 4 stars; one submission).

Conditions:
Tip-toe gait. Also called: Toe walking. Identifiers: MedGen C0427144, HP:0030051.

Submission:

Practice for Gait Abnormalities, David Pomarino, Competency Network Toe Walking C/o Practice Pomarino
Classification: Likely pathogenic for Tip-toe gait. Review status: no assertion criteria provided. Collection method: clinical testing. Allele origin: germline. Affected: yes.
Comment: Myopathy refers to diseases that affect skeletal Muscles. These diseases attack muscle fibers, making muscles weak. Inherited myopathies are often caused by inheriting an abnormal gene mutation from a parent that causes the disease. Symptoms of congenital myopathies usually start at birth or in early childhood, but may not appear until the teen years or even later in adulthood. Congenital myopathies are somewhat unique compared with other inherited myopathies, as weakness typically affects all muscles and is often not progressive. Symptoms are: Muscle weakness, most commonly of upper arms and shoulders and thighs, muscle cramps, stiffness and spasms, fatigue with exertion and lack of energy. Our patients all walk on tiptoe, so they show similar symptoms. When we genetically test them with our toe walking panel, we find that around 90 per cent of them have a genetic variant that explains their toe walking. These can be assigned, for example, to the area of myopathies (such as variants of the COL6A3 gene), the area of hereditary neuropathies (such as variants of the KMT2C gene) or the area of metabolic diseases (such as variants of the PYGM gene). In a smaller group of patients with almost identical symptoms, no abnormality is found in the genes of our panel, but spastic paraplegia can be detected. In another small group of our toe walkers, no abnormalities can be detected in the genes analysed in our toe walking panel, nor do they suffer from spastic paraplegia, as is also the case with healthy children. In contrast to these, however, they show a tiptoe gait. These patients suffer from infantile cerebral palsy, in which toe walking can also be observed.

Literature cited by the submitters: PubMed 37091313.